The following is an entry in ClinVar:

ClinVar aggregate classification (germline): Uncertain significance (1 of 4 stars; one submission).

Conditions:
Bethlem myopathy 1A. Also called: MYOPATHY, BENIGN CONGENITAL, WITH CONTRACTURES; Bethlem myopathy 1; Bethlem Muscular Dystrophy. Identifiers: Orphanet 610, MedGen CN029274, MONDO:0024530, OMIM 158810.

Submission:

Labcorp Genetics (formerly Invitae), Labcorp
Classification: Uncertain significance for Bethlem myopathy 1A. Last evaluated: 2024-04-15. Review status: criteria provided, single submitter. Criteria: Invitae Variant Classification Sherloc (09022015). Collection method: clinical testing. Allele origin: germline.
Comment: This sequence change replaces glycine, which is neutral and non-polar, with aspartic acid, which is acidic and polar, at codon 2302 of the COL6A3 protein (p.Gly2302Asp). This variant is present in population databases (no rsID available, gnomAD 0.01%). This variant has not been reported in the literature in individuals affected with COL6A3-related conditions. Advanced modeling of protein sequence and biophysical properties (such as structural, functional, and spatial information, amino acid conservation, physicochemical variation, residue mobility, and thermodynamic stability) performed at Invitae indicates that this missense variant is expected to disrupt COL6A3 protein function with a positive predictive value of 80%. In summary, the available evidence is currently insufficient to determine the role of this variant in disease. Therefore, it has been classified as a Variant of Uncertain Significance.

NM_004369.4(COL6A3):c.6905G>A (p.Gly2302Asp)

Gene: COL6A3 (collagen type VI alpha 3 chain; minus strand). Cytogenetic location: 2q37.3.
Variant type: single nucleotide variant.
Coding change: c.6905G>A on transcript NM_004369.4 (MANE Select); coding-DNA position 6905, G replaced by A.
Protein change: p.Gly2302Asp; replaces glycine 2302 with aspartic acid.
Molecular consequence: missense variant.
Genome position (GRCh38, 1-based): chr2:237,348,638, C>T on the plus strand (G>A on the coding strand, the complement: COL6A3 is on the minus strand). VCF-style: chr2-237348638-C-T. GRCh37 (hg19) VCF-style: chr2-238257281-C-T.
Other names: c.5084G>A, p.Gly1695Asp (NM_057166.5); c.6287G>A, p.Gly2096Asp (NM_057167.4); short protein forms G1695D, G2096D, G2302D.
Identifiers: ClinVar variation 3709377 (VCV003709377.2).